The following is an entry in ClinVar:

NM_001297.5(CNGB1):c.60G>C (p.Lys20Asn)

Gene: CNGB1 (cyclic nucleotide gated channel subunit beta 1; minus strand). Cytogenetic location: 16q21.
Variant type: single nucleotide variant.
Coding change: c.60G>C on transcript NM_001297.5 (MANE Select); coding-DNA position 60, G replaced by C.
Protein change: p.Lys20Asn; replaces lysine 20 with asparagine.
Molecular consequence: missense variant.
Genome position (GRCh38, 1-based): chr16:57,967,227, C>G on the plus strand (G>C on the coding strand, the complement: CNGB1 is on the minus strand). VCF-style: chr16-57967227-C-G. GRCh37 (hg19) VCF-style: chr16-58001131-C-G.
Other names: c.60G>C, p.Lys20Asn (NM_001135639.2, NM_001286130.2); short protein forms K20N.
Identifiers: ClinVar variation 1495304 (VCV001495304.5), dbSNP rs749405869, ClinGen allele CA8084010.

ClinVar aggregate classification (germline): Uncertain significance (1 of 4 stars; one submission).

Allele frequency attached by ClinVar (database versions not stated): gnomAD exomes 0.00001 and 0.00002; TOPMed 0.00002; ExAC 0.00003.
gnomAD v4.1: 6 of 1,614,204 alleles (0.00037%); highest among the groups gnomAD compares: Admixed American, 0.01%; no homozygotes.

Submission:

Labcorp Genetics (formerly Invitae), Labcorp
Classification: Uncertain significance. Last evaluated: 2022-08-12. Review status: criteria provided, single submitter. Criteria: Invitae Variant Classification Sherloc (09022015). Collection method: clinical testing. Allele origin: germline.
Comment: This sequence change replaces lysine, which is basic and polar, with asparagine, which is neutral and polar, at codon 20 of the CNGB1 protein (p.Lys20Asn). This variant is present in population databases (rs749405869, gnomAD 0.02%). This variant has not been reported in the literature in individuals affected with CNGB1-related conditions. ClinVar contains an entry for this variant (Variation ID: 1495304). Advanced modeling of protein sequence and biophysical properties (such as structural, functional, and spatial information, amino acid conservation, physicochemical variation, residue mobility, and thermodynamic stability) performed at Invitae indicates that this missense variant is not expected to disrupt CNGB1 protein function. In summary, the available evidence is currently insufficient to determine the role of this variant in disease. Therefore, it has been classified as a Variant of Uncertain Significance.